The following is an entry in ClinVar:

ClinVar aggregate classification (germline): Pathogenic (1 of 4 stars; one submission).

Conditions:
Brachyolmia-amelogenesis imperfecta syndrome. Also called: PLATYSPONDYLY WITH AMELOGENESIS IMPERFECTA; Tooth agenesis, selective, 6; Dental anomalies and short stature. Identifiers: Orphanet 2899, MedGen C1832594, MONDO:0011018, OMIM 601216. Disease mechanism: loss of function.

Submission:

Labcorp Genetics (formerly Invitae), Labcorp
Classification: Pathogenic for Brachyolmia-amelogenesis imperfecta syndrome. Last evaluated: 2024-12-04. Review status: criteria provided, single submitter. Criteria: Invitae Variant Classification Sherloc (09022015). Collection method: clinical testing. Allele origin: germline.
Comment: This sequence change creates a premature translational stop signal (p.Tyr461*) in the LTBP3 gene. It is expected to result in an absent or disrupted protein product. Loss-of-function variants in LTBP3 are known to be pathogenic (PMID: 11790802, 19344874, 25669657). This variant is not present in population databases (gnomAD no frequency). This variant has not been reported in the literature in individuals affected with LTBP3-related conditions. Algorithms developed to predict the effect of sequence changes on RNA splicing suggest that this variant may disrupt the consensus splice site. For these reasons, this variant has been classified as Pathogenic.

Literature cited by the submitters: PubMed 11790802; PubMed 19344874; PubMed 25669657.

NM_001130144.3(LTBP3):c.1383C>G (p.Tyr461Ter)

Gene: LTBP3 (latent transforming growth factor beta binding protein 3; minus strand). Cytogenetic location: 11q13.1.
Variant type: single nucleotide variant.
Coding change: c.1383C>G on transcript NM_001130144.3 (MANE Select); coding-DNA position 1383, C replaced by G.
Protein change: p.Tyr461Ter; replaces tyrosine 461 with a stop codon.
Molecular consequence: nonsense.
Genome position (GRCh38, 1-based): chr11:65,552,120, G>C on the plus strand (C>G on the coding strand, the complement: LTBP3 is on the minus strand). VCF-style: chr11-65552120-G-C. GRCh37 (hg19) VCF-style: chr11-65319591-G-C.
Other names: c.1032C>G, p.Tyr344Ter (NM_001164266.1); c.1383C>G, p.Tyr461Ter (NM_021070.4); short protein forms Y344*, Y461*.
Identifiers: ClinVar variation 3726590 (VCV003726590.2).